The following is an entry in ClinVar:

NM_001370100.5(ZMYND11):c.106C>T (p.Arg36Cys)

Gene: ZMYND11 (zinc finger MYND-type containing 11; plus strand). Cytogenetic location: 10p15.3.
Variant type: single nucleotide variant.
Coding change: c.106C>T on transcript NM_001370100.5 (MANE Select); coding-DNA position 106, C replaced by T.
Protein change: p.Arg36Cys; replaces arginine 36 with cysteine.
Molecular consequence: missense variant. On other transcripts: 5 prime UTR variant (3), non-coding transcript variant (1), intron variant (5).
Genome position (GRCh38, 1-based): chr10:180,118, C>T. VCF-style: chr10-180118-C-T. GRCh37 (hg19) VCF-style: chr10-226058-C-T.
Other names: c.106C>T, p.Arg36Cys (NM_001161482.1, NM_001202464.3, NM_001202465.3 and 25 more transcripts); c.-41C>T (NM_001330057.3, NM_001370112.2, NM_001370123.2); c.-4-29771C>T (NM_001370118.2, NM_001370121.2); c.51-29771C>T (NM_001370116.2, NM_001370120.2); c.-34+45226C>T (NM_001370124.3); c.106C>T (NM_006624.5); short protein forms R36C.
Identifiers: ClinVar variation 2430310 (VCV002430310.3), dbSNP rs2538907768, ClinGen allele CA375841443.
Genomic context (GRCh38, chr10:180,118, plus strand): 5'-CAGCATCTTTGGGCAGCCATTGAGATTATACGGAACCAGAAGCAGATTGCCAACATTGAC[C>T]GTATTACAAAGTAAGTAAATTTAAACACAAATATCTCTGTAAAATGTCGTAGAAGACTTT-3'
Protein context (NP_001357029.1, residues 26-46): RNQKQIANID[Arg36Cys]ITKYMSRVHG

ClinVar aggregate classification (germline): Conflicting classifications of pathogenicity. Review status: criteria provided, conflicting classifications (1 of 4 stars). 2 submissions from 2 submitters: Pathogenic (1); Uncertain significance (1). Last evaluated 2024-12-12.

Submissions (2):

GeneDx
Classification: Pathogenic. Last evaluated: 2024-12-12. Review status: criteria provided, single submitter. Criteria: GeneDx Variant Classification Process June 2021. Collection method: clinical testing. Allele origin: germline. Affected: yes.
Comment: Not observed at significant frequency in large population cohorts (gnomAD); In silico analysis supports that this missense variant has a deleterious effect on protein structure/function; Has not been previously published as pathogenic or benign to our knowledge

Centre of Medical Genetics, University Hospital Muenster
Classification: Uncertain significance. Last evaluated: 2022-10-20. Review status: criteria provided, single submitter. Criteria: ACMG Guidelines, 2015. Collection method: clinical testing. Allele origin: unknown. Affected: yes. Observed: 1 variant allele, 1 heterozygote.
Comment: ACMG categories: PM2,PP2